The following is an entry in ClinVar:

ClinVar aggregate classification (germline): Uncertain significance (1 of 4 stars; one submission).

Conditions:
Growth hormone insensitivity with immune dysregulation 1, autosomal recessive. Also called: Laron syndrome with immunodeficiency; GROWTH HORMONE INSENSITIVITY SYNDROME WITH IMMUNE DYSREGULATION 1, AUTOSOMAL RECESSIVE; GROWTH HORMONE INSENSITIVITY DUE TO POSTRECEPTOR DEFECT; LARON SYNDROME DUE TO POSTRECEPTOR DEFECT. Identifiers: Orphanet 220465, MedGen C5435698, MONDO:0100211, OMIM 245590.

Submission:

Labcorp Genetics (formerly Invitae), Labcorp
Classification: Uncertain significance for Growth hormone insensitivity with immune dysregulation 1, autosomal recessive. Last evaluated: 2025-11-12. Review status: criteria provided, single submitter. Criteria: Invitae Variant Classification Sherloc (09022015). Collection method: clinical testing. Allele origin: germline.
Comment: This sequence change replaces histidine, which is basic and polar, with arginine, which is basic and polar, at codon 406 of the STAT5B protein (p.His406Arg). This variant is not present in population databases (gnomAD no frequency). This variant has not been reported in the literature in individuals affected with STAT5B-related conditions. Invitae Evidence Modeling of protein sequence and biophysical properties (such as structural, functional, and spatial information, amino acid conservation, physicochemical variation, residue mobility, and thermodynamic stability) has been performed for this missense variant. However, the output from this modeling did not meet the statistical confidence thresholds required to predict the impact of this variant on STAT5B protein function. In summary, the available evidence is currently insufficient to determine the role of this variant in disease. Therefore, it has been classified as a Variant of Uncertain Significance.

NM_012448.4(STAT5B):c.1217A>G (p.His406Arg)

Gene: STAT5B (signal transducer and activator of transcription 5B; minus strand). Cytogenetic location: 17q21.2.
Variant type: single nucleotide variant.
Coding change: c.1217A>G on transcript NM_012448.4 (MANE Select); coding-DNA position 1217, A replaced by G.
Protein change: p.His406Arg; replaces histidine 406 with arginine.
Molecular consequence: missense variant.
Genome position (GRCh38, 1-based): chr17:42,217,417, T>C on the plus strand (A>G on the coding strand, the complement: STAT5B is on the minus strand). VCF-style: chr17-42217417-T-C. GRCh37 (hg19) VCF-style: chr17-40369435-T-C.
Other names: short protein forms H406R.
Identifiers: ClinVar variation 4725738 (VCV004725738.1).